The following is an entry in ClinVar:

NM_024675.4(PALB2):c.1760C>T (p.Ala587Val)

Gene: PALB2 (partner and localizer of BRCA2; minus strand). Cytogenetic location: 16p12.2.
Variant type: single nucleotide variant.
Coding change: c.1760C>T on transcript NM_024675.4 (MANE Select); coding-DNA position 1760, C replaced by T.
Protein change: p.Ala587Val; replaces alanine 587 with valine.
Molecular consequence: missense variant.
Genome position (GRCh38, 1-based): chr16:23,630,394, G>A on the plus strand (C>T on the coding strand, the complement: PALB2 is on the minus strand). VCF-style: chr16-23630394-G-A. GRCh37 (hg19) VCF-style: chr16-23641715-G-A.
Other names: c.1700C>T, p.Ala567Val (NM_001407296.1); c.1760C>T, p.Ala587Val (NM_001407297.1, NM_001407298.1, NM_001407299.1 and 3 more transcripts); c.875C>T, p.Ala292Val (NM_001407304.1, NM_001407305.1, NM_001407306.1 and 5 more transcripts); c.-29C>T (NM_001407312.1, NM_001407313.1); short protein forms A587V, A567V, A292V.
Identifiers: ClinVar variation 1779573 (VCV001779573.3), dbSNP rs2506437614, ClinGen allele CA395128220.

ClinVar aggregate classification (germline): Uncertain significance (1 of 4 stars; one submission).

Conditions:
Hereditary cancer-predisposing syndrome. Also called: Neoplastic Syndromes, Hereditary; Tumor predisposition; Hereditary Cancer Syndrome; Hereditary neoplastic syndrome. Identifiers: Orphanet 140162, MedGen C0027672, MeSH D009386, MONDO:0015356.

Submission:

Ambry Genetics
Classification: Uncertain significance for Hereditary cancer-predisposing syndrome. Last evaluated: 2025-03-28. Review status: criteria provided, single submitter. Criteria: Ambry Variant Classification Scheme 2023. Collection method: clinical testing. Allele origin: germline.
Comment: The p.A587V variant (also known as c.1760C>T), located in coding exon 5 of the PALB2 gene, results from a C to T substitution at nucleotide position 1760. The alanine at codon 587 is replaced by valine, an amino acid with similar properties. This amino acid position is conserved. In addition, this alteration is predicted to be tolerated by in silico analysis. Since supporting evidence is limited at this time, the clinical significance of this alteration remains unclear.